The following is an entry in ClinVar:

NM_006912.6(RIT1):c.237+15_237+50del

Gene: RIT1 (Ras like without CAAX 1; minus strand). Cytogenetic location: 1q22.
Variant type: Deletion.
Coding change: c.237+15_237+50del on transcript NM_006912.6 (MANE Select); bases 15 to 50 of the intron after coding-DNA position 237, 36 bases deleted.
Molecular consequence: intron variant.
Genome position (GRCh38, 1-based): chr1:155,904,681-155,904,716, 36 bases deleted; deleting any 36 consecutive bases within chr1:155,904,681-155,904,718 gives the same sequence; the c. name uses the placement nearest the transcript's 3' end. GRCh37 (hg19): chr1:155,874,474-155,874,509.
Other names: c.129+15_129+50del (NM_001256820.2); c.288+15_288+50del (NM_001256821.2).
Identifiers: ClinVar variation 3656929 (VCV003656929.2).

ClinVar aggregate classification (germline): Uncertain significance (1 of 4 stars; one submission).

Conditions:
Noonan syndrome 8 (NS8). Identifiers: Orphanet 648, MedGen C3809233, MONDO:0014143, OMIM 615355.

Submission:

Labcorp Genetics (formerly Invitae), Labcorp
Classification: Uncertain significance for Noonan syndrome 8. Last evaluated: 2024-06-18. Review status: criteria provided, single submitter. Criteria: Invitae Variant Classification Sherloc (09022015). Collection method: clinical testing. Allele origin: germline.
Comment: This sequence change falls in intron 4 of the RIT1 gene. It does not directly change the encoded amino acid sequence of the RIT1 protein. This variant is not present in population databases (gnomAD no frequency). This variant has not been reported in the literature in individuals affected with RIT1-related conditions. Experimental studies and prediction algorithms are not available or were not evaluated, and the effect of this variant on mRNA splicing is currently unknown. In summary, the available evidence is currently insufficient to determine the role of this variant in disease. Therefore, it has been classified as a Variant of Uncertain Significance.